The following is an entry in ClinVar:

ClinVar aggregate classification (germline): Benign (1 of 4 stars; one submission).

Conditions:
Von Hippel-Lindau syndrome (VHLS). Also called: Von Hippel-Lindau; von Hippel–Lindau syndrome; VHL syndrome. Identifiers: Orphanet 892, MedGen C0019562, MONDO:0008667, OMIM 193300. Disease mechanism: loss of function.

Submission:

Myriad Genetics, Inc.
Classification: Benign for Von Hippel-Lindau syndrome. Last evaluated: 2025-06-13. Review status: criteria provided, single submitter. Criteria: Myriad Autosomal Dominant, Autosomal Recessive and X-Linked Classification Criteria (2023). Collection method: clinical testing. Allele origin: unknown.
Comment: This variant is considered benign. This variant occurs in the non-coding 3' untranslated region of the gene, and is not expected to impact protein function.

NM_000551.4(VHL):c.*3A>G

Genes: VHL (von Hippel-Lindau tumor suppressor; plus strand), LOC107303340 (3p25 von Hippel-Lindau tumor suppressor, E3 ubiquitin protein ligase Alu-mediated recombination region; plus strand). Cytogenetic location: 3p25.3.
Variant type: single nucleotide variant.
Coding change: c.*3A>G on transcript NM_000551.4 (MANE Select); 3 bases downstream of the stop codon, A replaced by G.
Molecular consequence: 3 prime UTR variant. On other transcripts: non-coding transcript variant (1).
Genome position (GRCh38, 1-based): chr3:10,149,968, A>G. VCF-style: chr3-10149968-A-G. GRCh37 (hg19) VCF-style: chr3-10191652-A-G.
Other names: c.*199A>G (NM_001354723.2); c.*3A>G (NM_198156.3).
Identifiers: ClinVar variation 4071131 (VCV004071131.1).